The following is an entry in ClinVar:

NM_182914.3(SYNE2):c.19691A>G (p.Gln6564Arg)

Gene: SYNE2 (spectrin repeat containing nuclear envelope protein 2; plus strand). Cytogenetic location: 14q23.2.
Variant type: single nucleotide variant.
Coding change: c.19691A>G on transcript NM_182914.3 (MANE Select); coding-DNA position 19691, A replaced by G.
Protein change: p.Gln6564Arg; replaces glutamine 6564 with arginine.
Molecular consequence: missense variant.
Genome position (GRCh38, 1-based): chr14:64,219,241, A>G. VCF-style: chr14-64219241-A-G. GRCh37 (hg19) VCF-style: chr14-64685959-A-G.
Other names: c.19622A>G, p.Gln6541Arg (NM_015180.6); c.215A>G, p.Gln72Arg (NM_182910.2); c.593A>G, p.Gln198Arg (NM_182913.4); short protein forms Q6564R, Q6541R, Q72R, Q198R.
Identifiers: ClinVar variation 578978 (VCV000578978.1), dbSNP rs1567682749, ClinGen allele CA389963757.

ClinVar aggregate classification (germline): Uncertain significance (1 of 4 stars; one submission).

Conditions:
Emery-Dreifuss muscular dystrophy 5, autosomal dominant (EDMD5). Also called: EMERY-DREIFUSS MUSCULAR DYSTROPHY 5. Identifiers: Orphanet 261, MedGen C2751805, MONDO:0013072, OMIM 612999.

Submission:

Labcorp Genetics (formerly Invitae), Labcorp
Classification: Uncertain significance for Emery-Dreifuss muscular dystrophy 5, autosomal dominant. Last evaluated: 2018-01-23. Review status: criteria provided, single submitter. Criteria: Invitae Variant Classification Sherloc (09022015). Collection method: clinical testing. Allele origin: germline.
Comment: This sequence change replaces glutamine with arginine at codon 6564 of the SYNE2 protein (p.Gln6564Arg). The glutamine residue is weakly conserved and there is a small physicochemical difference between glutamine and arginine. This variant is not present in population databases (ExAC no frequency). This variant has not been reported in the literature in individuals with SYNE2-related disease. Algorithms developed to predict the effect of missense changes on protein structure and function do not agree on the potential impact of this missense change (SIFT: "Deleterious"; PolyPhen-2: "Probably Damaging"; Align-GVGD: "Class C0"). In summary, the available evidence is currently insufficient to determine the role of this variant in disease. Therefore, it has been classified as a Variant of Uncertain Significance.